The following is an entry in ClinVar:

ClinVar aggregate classification (germline): Uncertain significance (1 of 4 stars; one submission).

Conditions:
GNAS-related disorder. Identifiers: MedGen CN380105.

gnomAD v4.1: 31 of 1,607,398 alleles (0.0019%); highest among the groups gnomAD compares: African/African-American, 0.028%; no homozygotes.

Submission:

PreventionGenetics, part of Exact Sciences
Classification: Uncertain significance for GNAS-related condition. Last evaluated: 2025-10-09. Review status: criteria provided, single submitter. Criteria: ACMG Guidelines, 2015. Collection method: clinical testing. Allele origin: germline.
Comment: The GNAS c.1681C>T variant is predicted to result in the amino acid substitution p.Arg561Cys. To our knowledge, this variant has not been reported in the literature. This variant is reported in 0.051% of alleles in individuals of African descent in gnomAD. Although we suspect that this variant may be benign, at this time, the clinical significance of this variant is uncertain due to the absence of conclusive functional and genetic evidence.

NM_080425.4(GNAS):c.1681C>T (p.Arg561Cys)

Gene: GNAS (GNAS complex locus; plus strand). Cytogenetic location: 20q13.32.
Variant type: single nucleotide variant.
Coding change: c.1681C>T on transcript NM_080425.4 (MANE Plus Clinical); coding-DNA position 1681, C replaced by T.
Protein change: p.Arg561Cys; replaces arginine 561 with cysteine.
Molecular consequence: missense variant. On other transcripts: synonymous variant (2), intron variant (3).
Genome position (GRCh38, 1-based): chr20:58,854,946, C>T. VCF-style: chr20-58854946-C-T. GRCh37 (hg19) VCF-style: chr20-57430001-C-T.
Other names: c.1494C>T, p.Ala498= (NM_001077490.3, NM_001309883.1); c.1681C>T, p.Arg561Cys (NM_001410913.1); c.*42+14060C>T (NM_016592.5); c.43+14060C>T (NM_001410912.1); c.-39+13071C>T (NM_001309861.2); short protein forms R561C.
Identifiers: ClinVar variation 4978332 (VCV004978332.1).
Genomic context (GRCh38, chr20:58,854,946, plus strand): 5'-CCTACTCCGCGGCCTACTCGCGCGTCTGCCTGGCGGGGCAAGTCCGAGAGCAGCCGCGGC[C>T]GCCGCGTGTACTACGATGAAGGGGTGGCCAGCAGCGACGATGACTCCAGCGGAGACGAGT-3'
Protein context (NP_536350.2, residues 551-571): WRGKSESSRG[Arg561Cys]RVYYDEGVAS